The following is an entry in ClinVar:

ClinVar aggregate classification (germline): Uncertain significance (1 of 4 stars; one submission).

Allele frequency attached by ClinVar (database versions not stated): ExAC 0.00003; ESP Exome Variant Server 0.00008.
gnomAD v4.1: 15 of 1,594,302 alleles (0.00094%); highest among the groups gnomAD compares: African/African-American, 0.019%; no homozygotes.

Submission:

Labcorp Genetics (formerly Invitae), Labcorp
Classification: Uncertain significance. Last evaluated: 2024-11-18. Review status: criteria provided, single submitter. Criteria: Invitae Variant Classification Sherloc (09022015). Collection method: clinical testing. Allele origin: germline.
Comment: This sequence change replaces methionine, which is neutral and non-polar, with threonine, which is neutral and polar, at codon 237 of the IFT88 protein (p.Met237Thr). This variant is present in population databases (rs149818223, gnomAD 0.02%). This variant has not been reported in the literature in individuals affected with IFT88-related conditions. ClinVar contains an entry for this variant (Variation ID: 1911337). An algorithm developed to predict the effect of missense changes on protein structure and function (PolyPhen-2) suggests that this variant is likely to be tolerated. In summary, the available evidence is currently insufficient to determine the role of this variant in disease. Therefore, it has been classified as a Variant of Uncertain Significance.

NM_006531.5(IFT88):c.683T>C (p.Met228Thr)

Gene: IFT88 (intraflagellar transport 88; plus strand). Cytogenetic location: 13q12.11.
Variant type: single nucleotide variant.
Coding change: c.683T>C on transcript NM_006531.5 (MANE Select); coding-DNA position 683, T replaced by C.
Protein change: p.Met228Thr; replaces methionine 228 with threonine.
Molecular consequence: missense variant. On other transcripts: non-coding transcript variant (5).
Genome position (GRCh38, 1-based): chr13:20,598,739, T>C. VCF-style: chr13-20598739-T-C. GRCh37 (hg19) VCF-style: chr13-21172878-T-C.
Other names: c.626T>C, p.Met209Thr (NM_001318491.2, NM_001353573.2, NM_001353574.2 and 1 more transcripts); c.710T>C, p.Met237Thr (NM_001318493.2, NM_001353565.2, NM_001353566.2 and 6 more transcripts); c.683T>C, p.Met228Thr (NM_001353568.2, NM_001353571.2, NM_001353572.2 and 1 more transcripts); c.50T>C, p.Met17Thr (NM_001353579.2); short protein forms M17T, M209T, M228T, M237T.
Identifiers: ClinVar variation 1911337 (VCV001911337.5), dbSNP rs149818223, ClinGen allele CA6905158.